The following is an entry in ClinVar:

NM_017780.4(CHD7):c.8949_8957del (p.Leu2984_Gly2986del)

Gene: CHD7 (chromodomain helicase DNA binding protein 7; plus strand). Cytogenetic location: 8q12.2.
Variant type: Deletion.
Coding change: c.8949_8957del on transcript NM_017780.4 (MANE Select); coding-DNA positions 8949 to 8957, 9 bases deleted (ACTTGATGG; older notation c.8949_8957delACTTGATGG).
Protein change: p.Leu2984_Gly2986del.
Molecular consequence: inframe deletion. On other transcripts: inframe indel (1).
Genome position (GRCh38, 1-based): chr8:60,865,888-60,865,896, ACTTGATGG deleted. VCF-style (leftmost placement, unchanged base first): chr8-60865887-CACTTGATGG-C. GRCh37 (hg19) VCF-style: chr8-61778446-CACTTGATGG-C.
Other names: c.8949_8957del (NM_017780.2); c.2802_2810del, p.Leu935_Gly937del (NM_001316690.1); c.8949_8957delACTTGATGG, p.Leu2984_Gly2986del (NM_017780.2).
Identifiers: ClinVar variation 1970230 (VCV001970230.6), dbSNP rs2488155400, ClinGen allele CA2580078915.
Genomic context (GRCh38, chr8:60,865,887, plus strand): 5'-ATAAGACTGCAGAGTCCTCCCTCTTAGAAGACGAAATAGCACAGGGTGAAGAGCTAGACT[CACTTGATGG>C]GGGGGATGAAATAGAAAACAATGAAAATGATGAATAACCAGTACCAGTTCCAGTTCAAGT-3'

ClinVar aggregate classification (germline): Uncertain significance. Review status: criteria provided, multiple submitters, no conflicts (2 of 4 stars). 2 submissions from 2 submitters: Uncertain significance (2). Last evaluated 2023-07-07.

Conditions:
CHARGE syndrome (CHARGE). Also called: Hittner Hirsch Kreh syndrome; CHARGE ASSOCIATION--COLOBOMA, HEART ANOMALY, CHOANAL ATRESIA, RETARDATION, GENITAL AND EAR ANOMALIES; Coloboma, heart anomaly, choanal atresia, retardation, genital and ear anomalies; CHARGE association; Hall-Hittner syndrome. Identifiers: Orphanet 138, MedGen C0265354, MONDO:0008965.

Submissions (2):

Labcorp Genetics (formerly Invitae), Labcorp
Classification: Uncertain significance for CHARGE syndrome. Last evaluated: 2023-07-07. Review status: criteria provided, single submitter. Criteria: Invitae Variant Classification Sherloc (09022015). Collection method: clinical testing. Allele origin: germline.
Comment: In summary, the available evidence is currently insufficient to determine the role of this variant in disease. Therefore, it has been classified as a Variant of Uncertain Significance. Experimental studies and prediction algorithms are not available or were not evaluated, and the functional significance of this variant is currently unknown. ClinVar contains an entry for this variant (Variation ID: 1970230). This variant has not been reported in the literature in individuals affected with CHD7-related conditions. This variant is not present in population databases (gnomAD no frequency). This variant, c.8949_8957del, results in the deletion of 3 amino acid(s) of the CHD7 protein (p.Leu2984_Gly2986del), but otherwise preserves the integrity of the reading frame.

GeneDx
Classification: Uncertain significance. Last evaluated: 2022-11-08. Review status: criteria provided, single submitter. Criteria: GeneDx Variant Classification Process June 2021. Collection method: clinical testing. Allele origin: germline. Affected: yes.
Comment: Not observed at significant frequency in large population cohorts (gnomAD); In-frame deletion of 3 amino acids in a non-repeat region; In silico analysis supports that this variant does not alter protein structure/function; Has not been previously published as pathogenic or benign to our knowledge